The following is an entry in ClinVar:

ClinVar aggregate classification (germline): Benign. Review status: criteria provided, single submitter (1 of 4 stars). 2 submissions from 2 submitters: Benign (1). 1 of the submissions does not count toward it. Last evaluated 2023-12-12.

Conditions:
PKD1L1-related disorder. Also called: PKD1L1-related condition.

Allele frequency attached by ClinVar (database versions not stated): TOPMed 0.00003; gnomAD 0.00018; gnomAD exomes 0.00018; ExAC 0.00043; 1000 Genomes Project 0.00120; 1000 Genomes Project 30x 0.00125.
gnomAD v4.1: 300 of 1,614,088 alleles (0.019%); highest among the groups gnomAD compares: South Asian, 0.31%; 6 homozygotes.

Submissions (2):

Labcorp Genetics (formerly Invitae), Labcorp
Classification: Benign. Last evaluated: 2023-12-12. Review status: criteria provided, single submitter. Criteria: Invitae Variant Classification Sherloc (09022015). Collection method: clinical testing. Allele origin: germline.

PreventionGenetics, part of Exact Sciences
Classification: Likely benign for PKD1L1-related condition. Last evaluated: 2020-02-04. Review status: no assertion criteria provided. Collection method: clinical testing. Allele origin: germline. Not counted in ClinVar's aggregate classification.
Comment: This variant is classified as likely benign based on ACMG/AMP sequence variant interpretation guidelines (Richards et al. 2015 PMID: 25741868, with internal and published modifications).

NM_138295.5(PKD1L1):c.7140G>T (p.Arg2380Ser)

Genes: PKD1L1 (polycystin 1 like 1, transient receptor potential channel interacting; minus strand), PKD1L1-AS1 (PKD1L1 antisense RNA 1; plus strand). Cytogenetic location: 7p12.3.
Variant type: single nucleotide variant.
Coding change: c.7140G>T on transcript NM_138295.5 (MANE Select); coding-DNA position 7140, G replaced by T.
Protein change: p.Arg2380Ser; replaces arginine 2380 with serine.
Molecular consequence: missense variant.
Genome position (GRCh38, 1-based): chr7:47,813,964, C>A on the plus strand (G>T on the coding strand, the complement: PKD1L1 is on the minus strand). VCF-style: chr7-47813964-C-A. GRCh37 (hg19) VCF-style: chr7-47853562-C-A.
Other names: c.7140G>T (NM_138295.3); short protein forms R2380S.
Identifiers: ClinVar variation 2908094 (VCV002908094.5), dbSNP rs370214565, ClinGen allele CA4252116.